The following is an entry in ClinVar:

ClinVar aggregate classification (germline): Uncertain significance (1 of 4 stars; one submission).

gnomAD v4.1: 5 of 1,606,538 alleles (0.00031%); highest among the groups gnomAD compares: Admixed American, 0.0067%; no homozygotes.

Submission:

GeneDx
Classification: Uncertain significance. Last evaluated: 2023-04-27. Review status: criteria provided, single submitter. Criteria: GeneDx Variant Classification Process June 2021. Collection method: clinical testing. Allele origin: germline. Affected: yes.
Comment: Not observed at significant frequency in large population cohorts (gnomAD); In silico analysis supports that this missense variant does not alter protein structure/function; Has not been previously published as pathogenic or benign to our knowledge

NM_015271.5(TRIM2):c.454G>A (p.Val152Met)

Gene: TRIM2 (tripartite motif containing 2; plus strand). Cytogenetic location: 4q31.3.
Variant type: single nucleotide variant.
Coding change: c.454G>A on transcript NM_015271.5 (MANE Select); coding-DNA position 454, G replaced by A.
Protein change: p.Val152Met; replaces valine 152 with methionine.
Molecular consequence: missense variant. On other transcripts: 5 prime UTR variant (1), intron variant (2).
Genome position (GRCh38, 1-based): chr4:153,292,982, G>A. VCF-style: chr4-153292982-G-A. GRCh37 (hg19) VCF-style: chr4-154214134-G-A.
Other names: c.373G>A, p.Val125Met (NM_001130067.2, NM_001351056.2, NM_001375512.1 and 5 more transcripts); c.427G>A, p.Val143Met (NM_001351054.2); c.424G>A, p.Val142Met (NM_001351055.2); c.-3G>A (NM_001351057.2); c.547G>A, p.Val183Met (NM_001375488.1); c.544G>A, p.Val182Met (NM_001375489.1); c.454G>A, p.Val152Met (NM_001375490.1); c.451G>A, p.Val151Met (NM_001375491.1); and 3 more; short protein forms V125M, V142M, V143M, V151M, V152M, V182M, V183M, V39M.
Identifiers: ClinVar variation 3343180 (VCV003343180.1).